The following is an entry in ClinVar:

ClinVar aggregate classification (germline): Likely benign. Review status: reviewed by expert panel (3 of 4 stars). 8 submissions from 8 submitters: Likely benign (1). 7 of the submissions do not count toward it. Last evaluated 2017-06-29.

Conditions:
Hereditary cancer-predisposing syndrome. Also called: Neoplastic Syndromes, Hereditary; Hereditary Cancer Syndrome; Tumor predisposition; Hereditary neoplastic syndrome. Identifiers: Orphanet 140162, MedGen C0027672, MeSH D009386, MONDO:0015356.
Hereditary breast ovarian cancer syndrome. Also called: Breast and ovarian cancer; BRCA1- and BRCA2-Associated Hereditary Breast and Ovarian Cancer; Hereditary breast and ovarian cancer syndrome; Hereditary breast and ovarian cancer syndrome (HBOC); Hereditary breast and/or ovarian cancer syndrome; Hereditary breast and ovarian cancer. Identifiers: Orphanet 145, MedGen C0677776, MeSH D061325, MONDO:0003582. Disease mechanism: loss of function.
Breast-ovarian cancer, familial, susceptibility to, 2 (BROVCA2). Also called: BRCA2 Hereditary Breast and Ovarian Cancer. Identifiers: Orphanet 145, MedGen C2675520, MONDO:0012933, OMIM 612555. Disease mechanism: loss of function.

Allele frequency attached by ClinVar (database versions not stated): gnomAD exomes below 0.00001.
gnomAD v4.1: 1 of 1,544,654 alleles (0.000065%); highest among the groups gnomAD compares: Admixed American, 0.0021%; no homozygotes.

Submissions (8):

Evidence-based Network for the Interpretation of Germline Mutant Alleles (ENIGMA)
Classification: Likely benign for Breast-ovarian cancer, familial, susceptibility to, 2. Last evaluated: 2017-06-29. Review status: reviewed by expert panel. Criteria: ENIGMA BRCA1/2 Classification Criteria (2017-06-29). Collection method: curation. Allele origin: germline.
Comment: Synonymous substitution variant, with low bioinformatic likelihood to result in a splicing aberration (Splicing prior probability 0.02).

Labcorp Genetics (formerly Invitae), Labcorp
Classification: Likely benign for Hereditary breast ovarian cancer syndrome. Last evaluated: 2025-09-30. Review status: criteria provided, single submitter. Criteria: Invitae Variant Classification Sherloc (09022015). Collection method: clinical testing. Allele origin: germline. Not counted in ClinVar's aggregate classification.

Quest Diagnostics Nichols Institute San Juan Capistrano
Classification: Uncertain significance. Last evaluated: 2025-09-15. Review status: criteria provided, single submitter. Criteria: Quest Diagnostics criteria. Collection method: clinical testing. Allele origin: unknown. Not counted in ClinVar's aggregate classification.
Comment: The BRCA2 c.3885A>G (p.Gln1295=) synonymous variant (also known as c.4113A>G) has been reported in the published literature in individuals with breast and/or ovarian cancer (PMIDs: 21918853 (2012), 25415331 (2014), and 32486089 (2020)), and in an individual with pancreatic cancer (PMID: 32885271 (2021)). This variant has not been reported in large, multi-ethnic general populations (Genome Aggregation Database). Analysis of this variant using software algorithms for the prediction of the effect of nucleotide changes on splicing yielded predictions that this variant does not affect BRCA2 mRNA splicing. Based on the available information, we are unable to determine the clinical significance of this variant.

Blueprint Genetics
Classification: Likely benign. Last evaluated: 2022-11-15. Review status: criteria provided, single submitter. Criteria: ACMG Guidelines, 2015. Collection method: clinical testing. Allele origin: germline. Not counted in ClinVar's aggregate classification.

Sema4
Classification: Uncertain significance for Hereditary cancer-predisposing syndrome. Last evaluated: 2021-12-21. Review status: criteria provided, single submitter. Criteria: Sema4 Curation Guidelines. Collection method: curation. Allele origin: germline. Not counted in ClinVar's aggregate classification.
Comment: The BRCA2 c.3885A>G (p.Q1295=) variant has not been reported in the literature to our knowledge. This variant is not reported in the large and broad cohorts of the Genome Aggregation Database (PMID: 32461654). This variant has been reported in ClinVar (Variation ID 232601). In silico tools that predict the effect of sequence changes on splicing suggest that this variant may impact splicing though these predictions have not been confirmed by functional studies. There is no indication that this variant causes disease, but the evidence is insufficient currently to prove that conclusively. In summary, the clinical significance of this variant is currently uncertain.

Color Diagnostics, LLC DBA Color Health
Classification: Likely benign for Hereditary cancer-predisposing syndrome. Last evaluated: 2021-01-26. Review status: criteria provided, single submitter. Criteria: ACMG Guidelines, 2015. Collection method: clinical testing. Allele origin: germline. Not counted in ClinVar's aggregate classification.

Ambry Genetics
Classification: Likely benign for Hereditary cancer-predisposing syndrome. Last evaluated: 2015-06-28. Review status: criteria provided, single submitter. Criteria: Ambry Variant Classification Scheme 2023. Collection method: clinical testing. Allele origin: germline. Not counted in ClinVar's aggregate classification.

Department of Pathology and Laboratory Medicine, Sinai Health System
Classification: Uncertain significance. Review status: no assertion criteria provided. Collection method: clinical testing. Allele origin: unknown. Affected: yes. Observed: 1 variant allele. Study: The Canadian Open Genetics Repository (COGR). Not counted in ClinVar's aggregate classification.
Comment: The BRCA2 p.Gln1295= was not identified in the literature, nor was it identified in the COGR, Cosmic, MutDB, BIC Database, ARUP Laboratories, or Zhejiang University databases. The variant was identified in dbSNP (ID: rs876659864) as â€šÃ„ÃºWith Likely benign alleleâ€šÃ„Ã¹, ClinVar (classified as likely benign by Ambry Genetics and Enigma; as uncertain significance by Invitae), Clinvitae, LOVD 3.0 (1x effect unknown), and in UMD-LSDB (3x as unclassified variant). The variant was not identified in the following control databases: the 1000 Genomes Project, the NHLBI GO Exome Sequencing Project, the Exome Aggregation Consortium (August 8th 2016), or the Genome Aggregation Database (Feb 27, 2017). The p.Gln1295= variant is not expected to have clinical significance because it does not result in a change of amino acid and is not located in a known consensus splice site. The variant occurs outside of the splicing consensus sequence and 3 of 5 in silico or computational prediction software programs (SpliceSiteFinder, MaxEntScan, NNSPLICE, GeneSplicer, HumanSpliceFinder) predict a greater than 10% difference in splicing. However, this information is not predictive enough to assume pathogenicity. In summary, based on the above information the clinical significance of this variant cannot be determined with certainty at this time. This variant is classified as a variant of uncertain significance.

Literature cited by the submitters: PubMed 21918853 (cited by Quest Diagnostics Nichols Institute San Juan Capistrano); PubMed 32885271 (cited by Quest Diagnostics Nichols Institute San Juan Capistrano); PubMed 32486089 (cited by Quest Diagnostics Nichols Institute San Juan Capistrano); PubMed 30702160 (cited by Quest Diagnostics Nichols Institute San Juan Capistrano); PubMed 25415331 (cited by Quest Diagnostics Nichols Institute San Juan Capistrano).

NM_000059.4(BRCA2):c.3885A>G (p.Gln1295=)

Gene: BRCA2 (BRCA2 DNA repair associated; plus strand). Cytogenetic location: 13q13.1.
Variant type: single nucleotide variant.
Coding change: c.3885A>G on transcript NM_000059.4 (MANE Select); coding-DNA position 3885, A replaced by G.
Protein change: p.Gln1295=; no amino-acid change (glutamine 1295 retained).
Molecular consequence: synonymous variant.
Genome position (GRCh38, 1-based): chr13:32,338,240, A>G. VCF-style: chr13-32338240-A-G. GRCh37 (hg19) VCF-style: chr13-32912377-A-G.
Identifiers: ClinVar variation 232601 (VCV000232601.23), dbSNP rs876659864, ClinGen allele CA10579594.